The following is an entry in ClinVar:

NM_001267550.2(TTN):c.34537+3A>G

Gene: TTN (titin; minus strand). Cytogenetic location: 2q31.2.
Variant type: single nucleotide variant.
Coding change: c.34537+3A>G on transcript NM_001267550.2 (MANE Select); 3 bases into the intron after coding-DNA position 34537, A replaced by G.
Molecular consequence: intron variant.
Genome position (GRCh38, 1-based): chr2:178,675,668, T>C on the plus strand (A>G on the coding strand, the complement: TTN is on the minus strand). VCF-style: chr2-178675668-T-C. GRCh37 (hg19) VCF-style: chr2-179540395-T-C.
Other names: c.13283-33351A>G (NM_003319.4); c.13859-33351A>G (NM_133437.4); c.13658-33351A>G (NM_133432.3); c.30634+253A>G (NM_133378.4); c.33415+253A>G (NM_001256850.1).
Identifiers: ClinVar variation 575555 (VCV000575555.6), dbSNP rs1427570685, ClinGen allele CA538437042.
Genomic context (GRCh38, chr2:178,675,668, plus strand): 5'-TGTGGATAGAACCACAGTTCAACATCGGTGCAGCAAACATATCCCTGTTATGGGATGATG[T>C]ACCTTTGGCAGGAGGGGCCACTGCTTTCTTAAGACCAGGAGGAGGGACCTTCTTTTCTGG-3'

ClinVar aggregate classification (germline): Uncertain significance (1 of 4 stars; one submission).

Conditions:
Autosomal recessive limb-girdle muscular dystrophy type 2J (LGMDR10). Also called: Limb-girdle muscular dystrophy, type 2J; MUSCULAR DYSTROPHY, LIMB-GIRDLE, AUTOSOMAL RECESSIVE 10. Identifiers: Orphanet 140922, MedGen C1837342, MONDO:0012127, OMIM 608807.
Dilated cardiomyopathy 1G (CMD1G). Identifiers: Orphanet 154, MedGen C1858763, MONDO:0011400, OMIM 604145.

Allele frequency attached by ClinVar (database versions not stated): TOPMed below 0.00001; gnomAD exomes 0.00001 and 0.00002.
gnomAD v4.1: 7 of 1,414,626 alleles (0.00049%); highest among the groups gnomAD compares: African/African-American, 0.0014%; no homozygotes.

Submission:

Labcorp Genetics (formerly Invitae), Labcorp
Classification: Uncertain significance for Dilated cardiomyopathy 1G; Autosomal recessive limb-girdle muscular dystrophy type 2J. Last evaluated: 2018-04-10. Review status: criteria provided, single submitter. Criteria: Invitae Variant Classification Sherloc (09022015). Collection method: clinical testing. Allele origin: germline.
Comment: This sequence change falls in intron 149 of the TTN gene. It does not directly change the encoded amino acid sequence of the TTN protein, but it affects a nucleotide within the consensus splice site of the intron. While this variant is not present in population databases, the frequency information is unreliable, as metrics indicate poor data quality at this position in the ExAC database. This variant is located in the I band of TTN (PMID: 25589632). Variants in this region of the TTN gene are typically not causative for cardiac disease, but may be relevant for neuromuscular disorders (PMID: 23975875). This variant has not been reported in the literature in individuals with TTN-related disease. Nucleotide substitutions within the consensus splice site are a relatively common cause of aberrant splicing (PMID: 17576681, 9536098). Algorithms developed to predict the effect of sequence changes on RNA splicing suggest that this variant may disrupt the consensus splice site, but this prediction has not been confirmed by published transcriptional studies. In summary, the available evidence is currently insufficient to determine the role of this variant in disease. Therefore, it has been classified as a Variant of Uncertain Significance.

Literature cited by the submitters: PubMed 25589632; PubMed 23975875; PubMed 17576681; PubMed 9536098.